The following is an entry in ClinVar:

ClinVar aggregate classification (germline): Benign/Likely benign. Review status: criteria provided, multiple submitters, no conflicts (2 of 4 stars). 4 submissions from 4 submitters: Benign (1); Likely benign (3). Last evaluated 2026-02-03.

Conditions:
Hereditary cancer-predisposing syndrome. Also called: Tumor predisposition; Hereditary Cancer Syndrome; Neoplastic Syndromes, Hereditary; Hereditary neoplastic syndrome. Identifiers: Orphanet 140162, MedGen C0027672, MeSH D009386, MONDO:0015356.
Neuroblastoma, susceptibility to, 3. Also called: ALK-Related Neuroblastic Tumor Susceptibility. Identifiers: Orphanet 635, MedGen C2751681, MONDO:0013083, OMIM 613014.

Allele frequency attached by ClinVar (database versions not stated): ExAC 0.00007; gnomAD exomes 0.00008; gnomAD 0.00012 and 0.00013; TOPMed 0.00013; ESP Exome Variant Server 0.00015.
gnomAD v4.1: 692 of 1,612,488 alleles (0.043%); highest among the groups gnomAD compares: Non-Finnish European, 0.058%; 1 homozygote.

Submissions (4):

Labcorp Genetics (formerly Invitae), Labcorp
Classification: Likely benign for Neuroblastoma, susceptibility to, 3. Last evaluated: 2026-02-03. Review status: criteria provided, single submitter. Criteria: Invitae Variant Classification Sherloc (09022015). Collection method: clinical testing. Allele origin: germline.

Sema4
Classification: Benign for Hereditary cancer-predisposing syndrome. Last evaluated: 2021-03-31. Review status: criteria provided, single submitter. Criteria: Sema4 Curation Guidelines. Collection method: curation. Allele origin: germline.

ARUP Laboratories, Molecular Genetics and Genomics, ARUP Laboratories
Classification: Likely benign for Neuroblastoma, susceptibility to, 3. Last evaluated: 2019-03-07. Review status: criteria provided, single submitter. Criteria: ARUP Molecular Germline Variant Investigation Process. Collection method: clinical testing. Allele origin: germline.

GeneDx
Classification: Likely benign. Last evaluated: 2016-09-06. Review status: criteria provided, single submitter. Criteria: GeneDx Variant Classification (06012015). Collection method: clinical testing. Allele origin: germline. Affected: yes.
Comment: This variant is considered likely benign or benign based on one or more of the following criteria: it is a conservative change, it occurs at a poorly conserved position in the protein, it is predicted to be benign by multiple in silico algorithms, and/or has population frequency not consistent with disease.

NM_004304.5(ALK):c.3173-11C>T

Gene: ALK (ALK receptor tyrosine kinase; minus strand). Cytogenetic location: 2p23.2.
Variant type: single nucleotide variant.
Coding change: c.3173-11C>T on transcript NM_004304.5 (MANE Select); 11 bases into the intron before coding-DNA position 3173, C replaced by T.
Molecular consequence: intron variant. On other transcripts: 5 prime UTR variant (1).
Genome position (GRCh38, 1-based): chr2:29,223,539, G>A on the plus strand (C>T on the coding strand, the complement: ALK is on the minus strand). VCF-style: chr2-29223539-G-A. GRCh37 (hg19) VCF-style: chr2-29446405-G-A.
Other names: c.-43C>T (NM_001353765.2).
Identifiers: ClinVar variation 335696 (VCV000335696.19), dbSNP rs79339096, ClinGen allele CA1594044.